The following is an entry in ClinVar:

NM_001165963.4(SCN1A):c.1306G>T (p.Glu436Ter)

Gene: SCN1A (sodium voltage-gated channel alpha subunit 1; minus strand). Cytogenetic location: 2q24.3.
Variant type: single nucleotide variant.
Coding change: c.1306G>T on transcript NM_001165963.4 (MANE Select); coding-DNA position 1306, G replaced by T.
Protein change: p.Glu436Ter; replaces glutamic acid 436 with a stop codon.
Molecular consequence: nonsense. On other transcripts: 5 prime UTR variant (1), non-coding transcript variant (1).
Genome position (GRCh38, 1-based): chr2:166,046,841, C>A on the plus strand (G>T on the coding strand, the complement: SCN1A is on the minus strand). VCF-style: chr2-166046841-C-A. GRCh37 (hg19) VCF-style: chr2-166903351-C-A.
Other names: c.1306G>T, p.Glu436Ter (NM_001165964.3, NM_001202435.3, NM_001353948.2 and 10 more transcripts); c.-1120G>T (NM_001353961.2); short protein forms E436*.
Identifiers: ClinVar variation 582155 (VCV000582155.7), dbSNP rs1553546763, ClinGen allele CA349070633.

ClinVar aggregate classification (germline): Pathogenic (1 of 4 stars; one submission).

Conditions:
Early-infantile DEE. Also called: Early infantile epileptic encephalopathy with suppression bursts; Early infantile epileptic encephalopathy; Ohtahara syndrome. Identifiers: Orphanet 1934, MedGen C0393706, MONDO:0800491.

Allele frequency attached by ClinVar (database versions not stated): gnomAD exomes below 0.00001.
gnomAD v4.1: 1 of 1,613,956 alleles (0.000062%); highest among the groups gnomAD compares: South Asian, 0.0011%; no homozygotes.

Submission:

Labcorp Genetics (formerly Invitae), Labcorp
Classification: Pathogenic for Early-infantile DEE. Last evaluated: 2022-03-23. Review status: criteria provided, single submitter. Criteria: Invitae Variant Classification Sherloc (09022015). Collection method: clinical testing. Allele origin: germline.
Comment: This sequence change creates a premature translational stop signal (p.Glu436*) in the SCN1A gene. It is expected to result in an absent or disrupted protein product. Loss-of-function variants in SCN1A are known to be pathogenic (PMID: 17347258, 18930999). This variant is not present in population databases (gnomAD no frequency). This variant has not been reported in the literature in individuals affected with SCN1A-related conditions. ClinVar contains an entry for this variant (Variation ID: 582155). For these reasons, this variant has been classified as Pathogenic.

Literature cited by the submitters: PubMed 17347258; PubMed 18930999.